The following is an entry in ClinVar:

NM_000264.5(PTCH1):c.2435_2438del (p.Asp811_Tyr812insTer)

Genes: PTCH1 (patched 1; minus strand), LOC100507346 (uncharacterized LOC100507346; plus strand). Cytogenetic location: 9q22.32.
Variant type: Deletion.
Coding change: c.2435_2438del on transcript NM_000264.5 (MANE Select); coding-DNA positions 2435 to 2438, 4 bases deleted (ACCC; older notation c.2435_2438delACCC).
Protein change: p.Asp811_Tyr812insTer.
Molecular consequence: nonsense. On other transcripts: non-coding transcript variant (1).
Genome position (GRCh38, 1-based): chr9:95,467,238-95,467,241, GGGT deleted on the plus strand (ACCC on the coding strand, the reverse complement: PTCH1 is on the minus strand). VCF-style (leftmost placement, unchanged base first): chr9-95467237-CGGGT-C. GRCh37 (hg19) VCF-style: chr9-98229519-CGGGT-C.
Other names: c.2237_2240del, p.Asp745_Tyr746insTer (NM_001083602.3); c.2432_2435del, p.Asp810_Tyr811insTer (NM_001083603.3); c.1982_1985del, p.Asp660_Tyr661insTer (NM_001083604.3, NM_001083605.3, NM_001083606.3 and 1 more transcripts); c.2279_2282del, p.Asp759_Tyr760insTer (NM_001354918.2).
Identifiers: ClinVar variation 1357383 (VCV001357383.8), dbSNP rs2117958655, ClinGen allele CA2573144867.

ClinVar aggregate classification (germline): Pathogenic. Review status: criteria provided, multiple submitters, no conflicts (2 of 4 stars). 2 submissions from 2 submitters: Pathogenic (2). Last evaluated 2021-08-12.

Conditions:
Hereditary cancer-predisposing syndrome. Also called: Hereditary Cancer Syndrome; Hereditary neoplastic syndrome; Tumor predisposition; Neoplastic Syndromes, Hereditary. Identifiers: Orphanet 140162, MedGen C0027672, MeSH D009386, MONDO:0015356.
Gorlin syndrome. Also called: Basal cell nevus syndrome; Nevoid Basal Cell Carcinoma Syndrome. Identifiers: Orphanet 377, MedGen C0004779, MONDO:0007187.

Submissions (2):

Labcorp Genetics (formerly Invitae), Labcorp
Classification: Pathogenic for Gorlin syndrome. Last evaluated: 2021-08-12. Review status: criteria provided, single submitter. Criteria: Invitae Variant Classification Sherloc (09022015). Collection method: clinical testing. Allele origin: germline.
Comment: This sequence change creates a premature translational stop signal (p.Tyr812*) in the PTCH1 gene. It is expected to result in an absent or disrupted protein product. Loss-of-function variants in PTCH1 are known to be pathogenic (PMID: 16301862, 16419085). This variant is not present in population databases (ExAC no frequency). This variant has not been reported in the literature in individuals affected with PTCH1-related conditions. For these reasons, this variant has been classified as Pathogenic.

Ambry Genetics
Classification: Pathogenic for Hereditary cancer-predisposing syndrome. Last evaluated: 2017-04-20. Review status: criteria provided, single submitter. Criteria: Ambry Variant Classification Scheme 2023. Collection method: clinical testing. Allele origin: germline.
Comment: The c.2435_2438delACCC pathogenic mutation, located in coding exon 15 of the PTCH1 gene, results from a deletion of 4 nucleotides at nucleotide positions 2435 to 2438. This changes the amino acid tyrosine at codon 812 to a stop codon within coding exon 15 (p.Y812*). This alteration is expected to result in loss of function by premature protein truncation or nonsense-mediated mRNA decay. As such, this alteration is interpreted as a disease-causing mutation.

Literature cited by the submitters: PubMed 16301862 (cited by Labcorp Genetics (formerly Invitae), Labcorp); PubMed 16419085 (cited by Labcorp Genetics (formerly Invitae), Labcorp).